The following is an entry in ClinVar:

ClinVar aggregate classification (germline): Uncertain significance (1 of 4 stars; one submission).

Submission:

GeneDx
Classification: Uncertain significance. Last evaluated: 2025-03-13. Review status: criteria provided, single submitter. Criteria: GeneDx Variant Classification Process June 2021. Collection method: clinical testing. Allele origin: germline. Affected: yes.
Comment: Not observed at significant frequency in large population cohorts (gnomAD); In silico analysis indicates that this missense variant does not alter protein structure/function; Has not been previously published as pathogenic or benign to our knowledge

NM_001374353.1(GLI2):c.4492A>G (p.Ile1498Val)

Gene: GLI2 (GLI family zinc finger 2; plus strand). Cytogenetic location: 2q14.2.
Variant type: single nucleotide variant.
Coding change: c.4492A>G on transcript NM_001374353.1 (MANE Select); coding-DNA position 4492, A replaced by G.
Protein change: p.Ile1498Val; replaces isoleucine 1498 with valine.
Molecular consequence: missense variant.
Genome position (GRCh38, 1-based): chr2:120,990,457, A>G. VCF-style: chr2-120990457-A-G. GRCh37 (hg19) VCF-style: chr2-121748033-A-G.
Other names: c.4543A>G, p.Ile1515Val (NM_001371271.1, NM_005270.5); c.4117A>G, p.Ile1373Val (NM_001374354.1); short protein forms I1373V, I1498V, I1515V.
Identifiers: ClinVar variation 4083401 (VCV004083401.1).